The following is an entry in ClinVar:

NM_002087.4(GRN):c.1179G>C (p.Glu393Asp)

Gene: GRN (granulin precursor; plus strand). Cytogenetic location: 17q21.31.
Variant type: single nucleotide variant.
Coding change: c.1179G>C on transcript NM_002087.4 (MANE Select); coding-DNA position 1179, G replaced by C.
Protein change: p.Glu393Asp; replaces glutamic acid 393 with aspartic acid.
Molecular consequence: missense variant.
Genome position (GRCh38, 1-based): chr17:44,351,795, G>C. VCF-style: chr17-44351795-G-C. GRCh37 (hg19) VCF-style: chr17-42429163-G-C.
Other names: short protein forms E393D.
Identifiers: ClinVar variation 2954533 (VCV002954533.3), dbSNP rs1567887777, ClinGen allele CA399766648.

ClinVar aggregate classification (germline): Uncertain significance (1 of 4 stars; one submission).

Conditions:
GRN-related frontotemporal lobar degeneration with Tdp43 inclusions (FTD2). Also called: GRN Frontotemporal Dementia; FRONTOTEMPORAL DEMENTIA WITH TDP43 INCLUSIONS, GRN-RELATED; DEMENTIA, HEREDITARY DYSPHASIC DISINHIBITION; FRONTOTEMPORAL LOBAR DEGENERATION WITH UBIQUITIN-POSITIVE INCLUSIONS; FTLD-TDP, GRN-RELATED. Identifiers: Orphanet 100070, Orphanet 282, MedGen C1843792, MONDO:0011842, OMIM 607485. Disease mechanism: loss of function.
Neuronal ceroid lipofuscinosis 11. Also called: GRN-Related Neuronal Ceroid-Lipofuscinosis. Identifiers: Orphanet 314629, Orphanet 79262, MedGen C3539123, MONDO:0013866, OMIM 614706.

gnomAD v4.1: 1 of 1,612,914 alleles (0.000062%); highest among the groups gnomAD compares: East Asian, 0.0022%; no homozygotes.

Submission:

Labcorp Genetics (formerly Invitae), Labcorp
Classification: Uncertain significance for Neuronal ceroid lipofuscinosis 11; GRN-related frontotemporal lobar degeneration with Tdp43 inclusions. Last evaluated: 2023-12-09. Review status: criteria provided, single submitter. Criteria: Invitae Variant Classification Sherloc (09022015). Collection method: clinical testing. Allele origin: germline.
Comment: This sequence change replaces glutamic acid, which is acidic and polar, with aspartic acid, which is acidic and polar, at codon 393 of the GRN protein (p.Glu393Asp). This variant also falls at the last nucleotide of exon 10, which is part of the consensus splice site for this exon. This variant is not present in population databases (gnomAD no frequency). This variant has not been reported in the literature in individuals affected with GRN-related conditions. An algorithm developed to predict the effect of missense changes on protein structure and function (PolyPhen-2) suggests that this variant is likely to be disruptive. Variants that disrupt the consensus splice site are a relatively common cause of aberrant splicing (PMID: 17576681, 9536098). Algorithms developed to predict the effect of sequence changes on RNA splicing suggest that this variant may disrupt the consensus splice site. In summary, the available evidence is currently insufficient to determine the role of this variant in disease. Therefore, it has been classified as a Variant of Uncertain Significance.

Literature cited by the submitters: PubMed 17576681; PubMed 9536098.